The following is an entry in ClinVar:

ClinVar aggregate classification (germline): Pathogenic/Likely pathogenic. Review status: criteria provided, multiple submitters, no conflicts (2 of 4 stars). 5 submissions from 5 submitters: Pathogenic (4); Likely pathogenic (1). Last evaluated 2025-11-24.

Conditions:
Primary ciliary dyskinesia. Also called: Ciliary dyskinesia. Identifiers: Orphanet 244, MedGen C0008780, MONDO:0016575, HP:0012265.
Primary ciliary dyskinesia 3. Identifiers: Orphanet 244, MedGen C1837618, MONDO:0012085, OMIM 608644.

Allele frequency attached by ClinVar (database versions not stated): gnomAD exomes below 0.00001 and 0.00001; gnomAD 0.00001; TOPMed 0.00002.
gnomAD v4.1: 9 of 1,613,432 alleles (0.00056%); highest among the groups gnomAD compares: Non-Finnish European, 0.00068%; no homozygotes.

Submissions (5):

Myriad Genetics, Inc.
Classification: Pathogenic for Primary ciliary dyskinesia 3. Last evaluated: 2025-11-24. Review status: criteria provided, single submitter. Criteria: Myriad Autosomal Dominant, Autosomal Recessive and X-Linked Classification Criteria (2023). Collection method: clinical testing. Allele origin: unknown.
Comment: NM_001369.2(DNAH5):c.5114+1G>C is a variant in a canonical splice site classified as pathogenic in the context of primary ciliary dyskinesia, DNAH5-related. c.5114+1G>C has been observed in cases with relevant disease (PMID: 22416021, 30067075). Relevant functional assessments of this variant are not available in the literature. c.5114+1G>C has been observed in referenced population frequency databases. In summary, NM_001369.2(DNAH5):c.5114+1G>C is a variant in a canonical splice site in a gene where loss of function is a known mechanism of disease, is predicted to disrupt protein function, and has been observed more frequently in cases with the relevant disease than in healthy populations. Please note: this variant was assessed in the context of healthy population screening.

Variantyx, Inc.
Classification: Likely pathogenic for Primary ciliary dyskinesia 3. Last evaluated: 2025-10-08. Review status: criteria provided, single submitter. Criteria: Variantyx Assertion Criteria 2022. Collection method: clinical testing. Allele origin: germline. Inheritance: Autosomal recessive inheritance. Affected: yes.
Comment: This is a canonical splicing variant in the DNAH5 gene (OMIM: 603335). Pathogenic variants in this gene have been associated with autosomal recessive primary ciliary dyskinesia 3. This splicing variant is expected to result in loss of function, which is a known disease mechanism for DNAH5 in this disorder (PMID: 11788826, 16627867) (PVS1). It has been reported in the homozygous or compound heterozygous state in one affected individual (PMID: 22416021) and has a 0.0007% maximum allele frequency in non-founder control populations (PM2). Based on the current evidence, this variant is classified as likely pathogenic for autosomal recessive primary ciliary dyskinesia 3.

Natera, Inc.
Classification: Pathogenic for Primary ciliary dyskinesia. Last evaluated: 2024-08-18. Review status: criteria provided, single submitter. Criteria: Natera Variant Classification Schema (03/2026). Collection method: clinical testing. Allele origin: germline.
Comment: The c.5114+1G>C variant in DNAH5 is a canonical splice donor site variant predicted to affect pre-mRNA splicing, which may result in an abnormal transcript and altered protein product. This variant is expected to result in nonsense mediated decay, truncation, or a dysfunctional protein product. This variant is rare in the general population with a frequency below the threshold expected for the associated phenotype(s). This variant has been observed in one or more individuals affected with the associated recessive disease, as either homozygous or compound heterozygous with a second variant (PMID: 22416021). Given the available evidence, this variant is classified as Pathogenic.

Labcorp Genetics (formerly Invitae), Labcorp
Classification: Pathogenic for Primary ciliary dyskinesia. Last evaluated: 2023-10-28. Review status: criteria provided, single submitter. Criteria: Invitae Variant Classification Sherloc (09022015). Collection method: clinical testing. Allele origin: germline.
Comment: This sequence change affects a donor splice site in intron 31 of the DNAH5 gene. It is expected to disrupt RNA splicing. Variants that disrupt the donor or acceptor splice site typically lead to a loss of protein function (PMID: 16199547), and loss-of-function variants in DNAH5 are known to be pathogenic (PMID: 11788826, 16627867). This variant is present in population databases (no rsID available, gnomAD 0.0009%). Disruption of this splice site has been observed in individual(s) with primary ciliary dyskinesia (PMID: 22416021; Invitae). In at least one individual the data is consistent with being in trans (on the opposite chromosome) from a pathogenic variant. This variant is also known as IVS31+1G>C. ClinVar contains an entry for this variant (Variation ID: 238978). Algorithms developed to predict the effect of sequence changes on RNA splicing suggest that this variant may disrupt the consensus splice site. For these reasons, this variant has been classified as Pathogenic.

Ambry Genetics
Classification: Pathogenic for Primary ciliary dyskinesia. Last evaluated: 2019-11-04. Review status: criteria provided, single submitter. Criteria: Ambry Variant Classification Scheme 2023. Collection method: clinical testing. Allele origin: germline.
Comment: The c.5114+1G>C intronic pathogenic mutation (also known as c.5156+1G>C and IVS31+1G>C) results from a G to C substitution one nucleotide after coding exon 31 of the DNAH5 gene. This mutation was reported in an individual with primary ciliary dyskinesia with defect of outer dynein arms on electron microscopy, an abnormal ciliary beat pattern, and situs inversus; this individual was also heterozygous for a nonsense alteration, but the phase was not confirmed (Djakow J et al. Pediatr. Pulmonol., 2012 Sep;47:864-75). In addition to the clinical data presented in the literature, alterations that disrupt the canonical splice site are expected to cause aberrant splicing, resulting in an abnormal protein or a transcript that is subject to nonsense-mediated mRNA decay. As such, this alteration is classified as pathogenic.

Literature cited by the submitters: PubMed 22416021 (cited by 4 submitters); PubMed 30067075 (cited by Myriad Genetics, Inc.); PubMed 11788826 (cited by Variantyx, Inc. and Labcorp Genetics (formerly Invitae), Labcorp); PubMed 16627867 (cited by Variantyx, Inc. and Labcorp Genetics (formerly Invitae), Labcorp); PubMed 16199547 (cited by Labcorp Genetics (formerly Invitae), Labcorp).

NM_001369.3(DNAH5):c.5114+1G>C

Gene: DNAH5 (dynein axonemal heavy chain 5; minus strand). Cytogenetic location: 5p15.2.
Variant type: single nucleotide variant.
Coding change: c.5114+1G>C on transcript NM_001369.3 (MANE Select); the canonical splice donor site of the intron after coding-DNA position 5114, G replaced by C.
Molecular consequence: splice donor variant.
Genome position (GRCh38, 1-based): chr5:13,850,651, C>G on the plus strand (G>C on the coding strand, the complement: DNAH5 is on the minus strand). VCF-style: chr5-13850651-C-G. GRCh37 (hg19) VCF-style: chr5-13850760-C-G.
Identifiers: ClinVar variation 238978 (VCV000238978.12), dbSNP rs878854457, ClinGen allele CA10582399.